The following is an entry in ClinVar:

NM_004999.4(MYO6):c.1615A>G (p.Ser539Gly)

Gene: MYO6 (myosin VI; plus strand). Cytogenetic location: 6q14.1.
Variant type: single nucleotide variant.
Coding change: c.1615A>G on transcript NM_004999.4 (MANE Select); coding-DNA position 1615, A replaced by G.
Protein change: p.Ser539Gly; replaces serine 539 with glycine.
Molecular consequence: missense variant. On other transcripts: non-coding transcript variant (1).
Genome position (GRCh38, 1-based): chr6:75,862,664, A>G. VCF-style: chr6-75862664-A-G. GRCh37 (hg19) VCF-style: chr6-76572381-A-G.
Other names: c.1615A>G, p.Ser539Gly (NM_001300899.2, NM_001368136.1, NM_001368137.1 and 2 more transcripts); c.1600A>G, p.Ser534Gly (NM_001368138.1); short protein forms S534G, S539G.
Identifiers: ClinVar variation 4756084 (VCV004756084.1).

ClinVar aggregate classification (germline): Uncertain significance (1 of 4 stars; one submission).

gnomAD v4.1: 2 of 1,614,018 alleles (0.00012%); highest among the groups gnomAD compares: South Asian, 0.0022%; no homozygotes.

Submission:

GeneDx
Classification: Uncertain significance. Last evaluated: 2025-08-09. Review status: criteria provided, single submitter. Criteria: GeneDx Variant Classification Process June 2021. Collection method: clinical testing. Allele origin: germline. Affected: yes.
Comment: Not observed at significant frequency in large population cohorts (gnomAD); In silico analysis supports that this missense variant has a deleterious effect on protein structure/function; Has not been previously published as pathogenic or benign to our knowledge